The following is an entry in ClinVar:

ClinVar aggregate classification (germline): Uncertain significance. Review status: criteria provided, multiple submitters, no conflicts (2 of 4 stars). 2 submissions from 2 submitters: Uncertain significance (2). Last evaluated 2024-01-29.

Conditions:
Inborn genetic diseases. Identifiers: MedGen C0950123, MeSH D030342.
Cortical dysplasia-focal epilepsy syndrome (PTHSL1). Also called: Pitt-Hopkins-like syndrome 1. Identifiers: Orphanet 163681, Orphanet 221150, MedGen C2750246, MONDO:0012400, OMIM 610042.

Allele frequency attached by ClinVar (database versions not stated): gnomAD exomes below 0.00001; TOPMed 0.00001; ExAC 0.00002.
gnomAD v4.1: 6 of 1,613,482 alleles (0.00037%); highest among the groups gnomAD compares: East Asian, 0.013%; no homozygotes.

Submissions (2):

Ambry Genetics
Classification: Uncertain significance for Inborn genetic diseases. Last evaluated: 2024-01-29. Review status: criteria provided, single submitter. Criteria: Ambry Variant Classification Scheme 2023. Collection method: clinical testing. Allele origin: germline.

Labcorp Genetics (formerly Invitae), Labcorp
Classification: Uncertain significance for Cortical dysplasia-focal epilepsy syndrome. Last evaluated: 2023-07-07. Review status: criteria provided, single submitter. Criteria: Invitae Variant Classification Sherloc (09022015). Collection method: clinical testing. Allele origin: germline.
Comment: In summary, the available evidence is currently insufficient to determine the role of this variant in disease. Therefore, it has been classified as a Variant of Uncertain Significance. Algorithms developed to predict the effect of sequence changes on RNA splicing suggest that this variant may create or strengthen a splice site. An algorithm developed to predict the effect of missense changes on protein structure and function (PolyPhen-2) suggests that this variant¬†is likely to be tolerated. ClinVar contains an entry for this variant (Variation ID: 2413487). This variant has not been reported in the literature in individuals affected with CNTNAP2-related conditions. This variant is present in population databases (rs764133173, gnomAD 0.02%). This sequence change replaces glycine, which is neutral and non-polar, with arginine, which is basic and polar, at codon 362 of the CNTNAP2 protein (p.Gly362Arg).

NM_014141.6(CNTNAP2):c.1084G>A (p.Gly362Arg)

Gene: CNTNAP2 (contactin associated protein 2; plus strand). Cytogenetic location: 7q35.
Variant type: single nucleotide variant.
Coding change: c.1084G>A on transcript NM_014141.6 (MANE Select); coding-DNA position 1084, G replaced by A.
Protein change: p.Gly362Arg; replaces glycine 362 with arginine.
Molecular consequence: missense variant.
Genome position (GRCh38, 1-based): chr7:147,132,245, G>A. VCF-style: chr7-147132245-G-A. GRCh37 (hg19) VCF-style: chr7-146829337-G-A.
Other names: c.1084G>A (NM_014141.5); short protein forms G362R.
Identifiers: ClinVar variation 2413487 (VCV002413487.7), dbSNP rs764133173, ClinGen allele CA4545979.